The following is an entry in ClinVar:

ClinVar aggregate classification (germline): Pathogenic/Likely pathogenic. Review status: criteria provided, multiple submitters, no conflicts (2 of 4 stars). 2 submissions from 2 submitters: Pathogenic (1); Likely pathogenic (1). Last evaluated 2024-10-04.

Conditions:
Biotinidase deficiency. Also called: BTD deficiency; Late-onset biotin-responsive multiple carboxylase deficiency; Biotin deficiency. Identifiers: Orphanet 79241, MedGen C0220754, MONDO:0009665, OMIM 253260.

Submissions (2):

Dubai Health Genomic Medicine Center, Dubai Health
Classification: Likely pathogenic for Biotinidase deficiency. Last evaluated: 2024-10-04. Review status: criteria provided, single submitter. Criteria: ACMG Guidelines, 2015. Collection method: research. Allele origin: germline. Affected: yes.
Comment: PVS1, PM2

Revvity Omics, Revvity
Classification: Pathogenic for Biotinidase deficiency. Last evaluated: 2020-04-13. Review status: criteria provided, single submitter. Criteria: ACMG Guidelines, 2015. Collection method: clinical testing. Allele origin: germline.

NM_001370658.1(BTD):c.500del (p.Pro167fs)

Gene: BTD (biotinidase; plus strand). Cytogenetic location: 3p25.1.
Variant type: Deletion.
Coding change: c.500del on transcript NM_001370658.1 (MANE Select); coding-DNA position 500, one base deleted (C; older notation c.500delC).
Protein change: p.Pro167fs; shifts the reading frame from proline 167.
Molecular consequence: frameshift variant. On other transcripts: intron variant (6).
Genome position (GRCh38, 1-based): chr3:15,644,416, C deleted; the last of 3 consecutive C bases (chr3:15,644,414-15,644,416); deleting any one gives the same sequence. VCF-style (leftmost placement, unchanged base first): chr3-15644413-GC-G. GRCh37 (hg19) VCF-style: chr3-15685920-GC-G.
Other names: c.500del, p.Pro167fs (NM_001281723.4, NM_001281724.3, NM_001281725.3 and 18 more transcripts); c.399+2359del (NM_001370753.1, NM_001407400.1, NM_001407380.1 and 3 more transcripts); short protein forms P167fs.
Identifiers: ClinVar variation 1325381 (VCV001325381.5), dbSNP rs2125500629, ClinGen allele CA2573052104.
Genomic context (GRCh38, chr3:15,644,413, plus strand): 5'-ATATGTTCTTGGTGGCCAATCTTGGGACAAAGGAGCCTTGTCATAGCAGTGACCCAAGGT[GC>G]CCAAAAGATGGGAGATACCAGTTCAACACAAATGTCGTGTTCAGCAATAATGGAACCCTT-3'